The following is an entry in ClinVar:

NM_201384.3(PLEC):c.6456_6475del (p.Gln2154fs)

Gene: PLEC (plectin; minus strand). Cytogenetic location: 8q24.3.
Variant type: Deletion.
Coding change: c.6456_6475del on transcript NM_201384.3 (MANE Select); coding-DNA positions 6456 to 6475, 20 bases deleted (GGAGCAGGCGGCCCTGCGGC).
Protein change: p.Gln2154fs; shifts the reading frame from glutamine 2154.
Molecular consequence: frameshift variant. On other transcripts: intron variant (1).
Genome position (GRCh38, 1-based): chr8:143,923,454-143,923,473, GCCGCAGGGCCGCCTGCTCC deleted on the plus strand (GGAGCAGGCGGCCCTGCGGC on the coding strand, the reverse complement: PLEC is on the minus strand); deleting any 20 consecutive bases within chr8:143,923,454-143,923,476 gives the same sequence; the c. name uses the placement nearest the transcript's 3' end. VCF-style (leftmost placement, unchanged base first): chr8-143923453-TGCCGCAGGGCCGCCTGCTCC-T. GRCh37 (hg19) VCF-style: chr8-144997621-TGCCGCAGGGCCGCCTGCTCC-T.
Other names: c.6537_6556del, p.Gln2181fs (NM_000445.5); c.6414_6433del, p.Gln2140fs (NM_201378.4); c.6390_6409del, p.Gln2132fs (NM_201379.3); c.6867_6886del, p.Gln2291fs (NM_201380.4); c.6360_6379del, p.Gln2122fs (NM_201381.3); c.6456_6475del, p.Gln2154fs (NM_201382.4); c.6468_6487del, p.Gln2158fs (NM_201383.3); c.4126-1078_4126-1059del (NM_001410941.1); short protein forms Q2181fs, Q2132fs, Q2140fs, Q2154fs, Q2158fs, Q2122fs, Q2291fs.
Identifiers: ClinVar variation 4784003 (VCV004784003.1).
Genomic context (GRCh38, chr8:143,923,453, plus strand): 5'-CGCAGCGTCTGCTCGGCGAATTTCTTATGCTTCTCCATCTCCGCGTCAGCTGCCTGCTTC[TGCCGCAGGGCCGCCTGCTCC>T]GCCTGTGCCCGCCGCGCCGCCTCTTGCTCGGCCTCCTTGCGCAGCTTCTCTGCAGCCGCC-3'

ClinVar aggregate classification (germline): Pathogenic (1 of 4 stars; one submission).

Conditions:
Epidermolysis bullosa simplex with nail dystrophy (EBS5D). Identifiers: MedGen C4225309, MONDO:0014661, OMIM 616487.
Epidermolysis bullosa simplex, Ogna type (EBS5A). Also called: Pidermolysis bullosa simplex 5A, Ogna type; EPIDERMOLYSIS BULLOSA SIMPLEX 5A, OGNA TYPE. Identifiers: Orphanet 79401, MedGen C0432317, MONDO:0007555, OMIM 131950.
Epidermolysis bullosa simplex 5B, with muscular dystrophy (EBS5B). Also called: Epidermolysis bullosa simplex with muscular dystrophy; EPIDERMOLYSIS BULLOSA SIMPLEX AND LIMB-GIRDLE MUSCULAR DYSTROPHY. Identifiers: Orphanet 257, MedGen C2931072, MONDO:0009181, OMIM 226670.
Autosomal recessive limb-girdle muscular dystrophy type 2Q (LGMDR17). Also called: MUSCULAR DYSTROPHY, LIMB-GIRDLE, AUTOSOMAL RECESSIVE 17. Identifiers: Orphanet 254361, MedGen C3150989, MONDO:0013390, OMIM 613723.
Epidermolysis bullosa simplex 5C, with pyloric atresia (EBS5C). Also called: PLEC-Related Epidermolysis Bullosa with Pyloric Atresia; Epidermolysis bullosa simplex with pyloric atresia; PLEC1-Related Epidermolysis Bullosa with Pyloric Atresia. Identifiers: Orphanet 158684, MedGen C2677349, MONDO:0012807, OMIM 612138.

Submission:

Labcorp Genetics (formerly Invitae), Labcorp
Classification: Pathogenic for Autosomal recessive limb-girdle muscular dystrophy type 2Q; Epidermolysis bullosa simplex, Ogna type; Epidermolysis bullosa simplex with nail dystrophy; Epidermolysis bullosa simplex 5C, with pyloric atresia; Epidermolysis bullosa simplex 5B, with muscular dystrophy. Last evaluated: 2025-01-21. Review status: criteria provided, single submitter. Criteria: Invitae Variant Classification Sherloc (09022015). Collection method: clinical testing. Allele origin: germline.
Comment: This sequence change creates a premature translational stop signal (p.Gln2181Alafs*4) in the PLEC gene. It is expected to result in an absent or disrupted protein product. Loss-of-function variants in PLEC are known to be pathogenic (PMID: 20301336, 20447487, 21109228, 23289980, 28824526). This variant is not present in population databases (gnomAD no frequency). This variant has not been reported in the literature in individuals affected with PLEC-related conditions. For these reasons, this variant has been classified as Pathogenic.

Literature cited by the submitters: PubMed 20301336; PubMed 20447487; PubMed 21109228; PubMed 23289980; PubMed 28824526.